The following is an entry in ClinVar:

ClinVar aggregate classification (germline): Uncertain significance. Review status: criteria provided, multiple submitters, no conflicts (2 of 4 stars). 3 submissions from 3 submitters: Uncertain significance (3). Last evaluated 2025-04-13.

Conditions:
Very long chain acyl-CoA dehydrogenase deficiency (ACADVLD). Also called: Very Long-Chain Acyl-Coenzyme A Dehydrogenase Deficiency; VLCAD Deficiency. Identifiers: Orphanet 26793, MedGen C3887523, MONDO:0008723, OMIM 201475.

Allele frequency attached by ClinVar (database versions not stated): gnomAD 0.00001; gnomAD exomes 0.00001; TOPMed 0.00001; ExAC 0.00002; ESP Exome Variant Server 0.00008.
gnomAD v4.1: 6 of 1,613,924 alleles (0.00037%); highest among the groups gnomAD compares: South Asian, 0.0022%; no homozygotes.

Submissions (3):

GeneDx
Classification: Uncertain significance. Last evaluated: 2025-04-13. Review status: criteria provided, single submitter. Criteria: GeneDx Variant Classification Process June 2021. Collection method: clinical testing. Allele origin: germline. Affected: yes.
Comment: Not observed at significant frequency in large population cohorts (gnomAD); In silico analysis supports that this missense variant has a deleterious effect on protein structure/function; Observed with a second variant in ACADVL in a patient with abnormal newborn screening for VLCADD (PMID: 30194637); This variant is associated with the following publications: (PMID: 30194637)

Mayo Clinic Laboratories, Mayo Clinic
Classification: Uncertain significance. Last evaluated: 2023-10-31. Review status: criteria provided, single submitter. Criteria: ACMG Guidelines, 2015. Collection method: clinical testing. Allele origin: germline. Observed: 1 variant allele.
Comment: PP3

Labcorp Genetics (formerly Invitae), Labcorp
Classification: Uncertain significance for Very long chain acyl-CoA dehydrogenase deficiency. Last evaluated: 2021-08-28. Review status: criteria provided, single submitter. Criteria: Invitae Variant Classification Sherloc (09022015). Collection method: clinical testing. Allele origin: germline.
Comment: This sequence change replaces arginine with cysteine at codon 111 of the ACADVL protein (p.Arg111Cys). The arginine residue is moderately conserved and there is a large physicochemical difference between arginine and cysteine. This variant is present in population databases (rs370929055, ExAC 0.003%). This missense change has been observed in individual(s) with a positive newborn screening result for ACADVL-related disease (PMID: 30194637). Algorithms developed to predict the effect of missense changes on protein structure and function are either unavailable or do not agree on the potential impact of this missense change (SIFT: "Deleterious"; PolyPhen-2: "Probably Damaging"; Align-GVGD: "Class C0"). In summary, the available evidence is currently insufficient to determine the role of this variant in disease. Therefore, it has been classified as a Variant of Uncertain Significance.

Literature cited by the submitters: PubMed 30194637 (cited by Mayo Clinic Laboratories, Mayo Clinic and Labcorp Genetics (formerly Invitae), Labcorp).

NM_000018.4(ACADVL):c.331C>T (p.Arg111Cys)

Gene: ACADVL (acyl-CoA dehydrogenase very long chain; plus strand). Cytogenetic location: 17p13.1.
Variant type: single nucleotide variant.
Coding change: c.331C>T on transcript NM_000018.4 (MANE Select); coding-DNA position 331, C replaced by T.
Protein change: p.Arg111Cys; replaces arginine 111 with cysteine.
Molecular consequence: missense variant.
Genome position (GRCh38, 1-based): chr17:7,220,819, C>T. VCF-style: chr17-7220819-C-T. GRCh37 (hg19) VCF-style: chr17-7124138-C-T.
Other names: p.Arg111Cys; c.331C>T (NM_000018.2); c.265C>T, p.Arg89Cys (NM_001033859.3); c.400C>T, p.Arg134Cys (NM_001270447.2); c.103C>T, p.Arg35Cys (NM_001270448.2); short protein forms R89C, R111C, R134C, R35C.
Identifiers: ClinVar variation 1432137 (VCV001432137.7), dbSNP rs370929055, ClinGen allele CA8337652.